The following is an entry in ClinVar:

ClinVar aggregate classification (germline): Uncertain significance. Review status: criteria provided, multiple submitters, no conflicts (2 of 4 stars). 4 submissions from 4 submitters: Uncertain significance (4). Last evaluated 2025-05-30.

Conditions:
OPLAH-related disorder. Also called: OPLAH-related condition.
5-Oxoprolinase deficiency (OPLAHD). Also called: 5-OXOPROLINURIA DUE TO 5-OXOPROLINASE DEFICIENCY. Identifiers: Orphanet 33572, MedGen C0268525, MONDO:0009825, OMIM 260005, HP:0040142.

Allele frequency attached by ClinVar (database versions not stated): ESP Exome Variant Server 0.00008; TOPMed 0.00009; 1000 Genomes Project 30x 0.00016.
gnomAD v4.1: 67 of 1,612,960 alleles (0.0042%); highest among the groups gnomAD compares: African/African-American, 0.021%; no homozygotes.

Submissions (4):

PreventionGenetics, part of Exact Sciences
Classification: Uncertain significance for OPLAH-related condition. Last evaluated: 2025-05-30. Review status: criteria provided, single submitter. Criteria: ACMG Guidelines, 2015. Collection method: clinical testing. Allele origin: germline.
Comment: The OPLAH c.2770C>T variant is predicted to result in the amino acid substitution p.Arg924Cys. To our knowledge, this variant has not been reported in the literature. This variant is reported in 0.032% of alleles in individuals of African descent in gnomAD. At this time, the clinical significance of this variant is uncertain due to the absence of conclusive functional and genetic evidence.

Ambry Genetics
Classification: Uncertain significance. Last evaluated: 2024-03-12. Review status: criteria provided, single submitter. Criteria: Ambry Variant Classification Scheme 2023. Collection method: clinical testing. Allele origin: germline.

Fulgent Genetics
Classification: Uncertain significance for 5-Oxoprolinase deficiency. Last evaluated: 2022-05-27. Review status: criteria provided, single submitter. Criteria: ACMG Guidelines, 2015. Collection method: clinical testing. Allele origin: unknown.

GeneDx
Classification: Uncertain significance. Last evaluated: 2017-01-16. Review status: criteria provided, single submitter. Criteria: GeneDx Variant Classification (06012015). Collection method: clinical testing. Allele origin: germline. Affected: yes.
Comment: The R924C variant in the OPLAH gene has not been reported previously as a pathogenic variant, nor as a benign variant, to our knowledge. This variant was not observed with any significant frequency in approximately 6300 individuals of European and African American ancestry in the NHLBI Exome Sequencing Project, indicating it is not a common benign variant in these populations. The R924C variant is a non-conservative amino acid substitution, which is likely to impact secondary protein structure as these residues differ in polarity, charge, size and/or other properties. This substitution occurs at a position that is conserved across species. In silico analysis predicts this variant is probably damaging to the protein structure/function. We interpret R924C as a variant of uncertain significance.

NM_017570.5(OPLAH):c.2770C>T (p.Arg924Cys)

Gene: OPLAH (5-oxoprolinase, ATP-hydrolysing; minus strand). Cytogenetic location: 8q24.3.
Variant type: single nucleotide variant.
Coding change: c.2770C>T on transcript NM_017570.5 (MANE Select); coding-DNA position 2770, C replaced by T.
Protein change: p.Arg924Cys; replaces arginine 924 with cysteine.
Molecular consequence: missense variant.
Genome position (GRCh38, 1-based): chr8:144,053,310, G>A on the plus strand (C>T on the coding strand, the complement: OPLAH is on the minus strand). VCF-style: chr8-144053310-G-A. GRCh37 (hg19) VCF-style: chr8-145108213-G-A.
Other names: c.2770C>T (NM_017570.3); short protein forms R924C.
Identifiers: ClinVar variation 392467 (VCV000392467.7), dbSNP rs147874057, ClinGen allele CA4931334.